The following is an entry in ClinVar:

NM_000043.6(FAS):c.704_706del (p.Thr235del)

Gene: FAS (Fas cell surface death receptor; plus strand). Cytogenetic location: 10q23.31.
Variant type: Deletion.
Coding change: c.704_706del on transcript NM_000043.6 (MANE Select); coding-DNA positions 704 to 706, 3 bases deleted (CTA; older notation c.704_706delCTA).
Protein change: p.Thr235del; deletes threonine 235.
Molecular consequence: inframe deletion. On other transcripts: 3 prime UTR variant (2), non-coding transcript variant (7).
Genome position (GRCh38, 1-based): chr10:89,014,146-89,014,148, CTA deleted; deleting any 3 consecutive bases within chr10:89,014,145-89,014,148 gives the same sequence; the c. name uses the placement nearest the transcript's 3' end. VCF-style (leftmost placement, unchanged base first): chr10-89014144-CACT-C. GRCh37 (hg19) VCF-style: chr10-90773901-CACT-C.
Other names: c.*27_*29del (NM_001320619.2); c.641_643del, p.Thr214del (NM_152871.4); c.*16_*18del (NM_152872.4); short protein forms T214del, T235del.
Identifiers: ClinVar variation 848671 (VCV000848671.9), dbSNP rs1848666809, ClinGen allele CA916080420.

ClinVar aggregate classification (germline): Uncertain significance (1 of 4 stars; one submission).

Conditions:
Autoimmune lymphoproliferative syndrome type 1. Also called: AUTOIMMUNE LYMPHOPROLIFERATIVE SYNDROME, TYPE I, AUTOSOMAL DOMINANT. Identifiers: Orphanet 3261, MedGen C2717884, MONDO:0011158, OMIM 601859.

Submission:

Labcorp Genetics (formerly Invitae), Labcorp
Classification: Uncertain significance for Autoimmune lymphoproliferative syndrome. Last evaluated: 2021-01-08. Review status: criteria provided, single submitter. Criteria: Invitae Variant Classification Sherloc (09022015). Collection method: clinical testing. Allele origin: germline.
Comment: In summary, the available evidence is currently insufficient to determine the role of this variant in disease. Therefore, it has been classified as a Variant of Uncertain Significance. Experimental studies and prediction algorithms are not available or were not evaluated, and the functional significance of this variant is currently unknown. This variant has not been reported in the literature in individuals with FAS-related conditions. This variant is not present in population databases (ExAC no frequency). This variant, c.704_706del, results in the deletion of 1 amino acid(s) of the FAS protein (p.Thr235del), but otherwise preserves the integrity of the reading frame.